The following is an entry in ClinVar:

ClinVar aggregate classification (germline): Likely pathogenic (1 of 4 stars; one submission).

Conditions:
Bethlem myopathy 1A. Also called: Bethlem myopathy 1; Bethlem Muscular Dystrophy; MYOPATHY, BENIGN CONGENITAL, WITH CONTRACTURES. Identifiers: Orphanet 610, MedGen CN029274, MONDO:0024530, OMIM 158810.

Allele frequency attached by ClinVar (database versions not stated): TOPMed below 0.00001; gnomAD 0.00001.
gnomAD v4.1: 1 of 1,613,532 alleles (0.000062%); highest among the groups gnomAD compares: Admixed American, 0.0017%; no homozygotes.

Submission:

Labcorp Genetics (formerly Invitae), Labcorp
Classification: Likely pathogenic for Bethlem myopathy 1A. Last evaluated: 2023-08-16. Review status: criteria provided, single submitter. Criteria: Invitae Variant Classification Sherloc (09022015). Collection method: clinical testing. Allele origin: germline.
Comment: This variant disrupts the p.Gly1842 amino acid residue in COL6A3. Other variant(s) that disrupt this residue have been determined to be pathogenic (PMID: 25535305, 34167565). This suggests that this residue is clinically significant, and that variants that disrupt this residue are likely to be disease-causing. In summary, the currently available evidence indicates that the variant is pathogenic, but additional data are needed to prove that conclusively. Therefore, this variant has been classified as Likely Pathogenic. Advanced modeling of protein sequence and biophysical properties (such as structural, functional, and spatial information, amino acid conservation, physicochemical variation, residue mobility, and thermodynamic stability) performed at Invitae indicates that this missense variant is expected to disrupt COL6A3 protein function. This missense change has been observed in individuals with clinical features of Bethlem myopathy (PMID: 24271325; Invitae). This variant is not present in population databases (gnomAD no frequency). This sequence change replaces glycine, which is neutral and non-polar, with arginine, which is basic and polar, at codon 1842 of the COL6A3 protein (p.Gly1842Arg).

Literature cited by the submitters: PubMed 25535305; PubMed 34167565; PubMed 24271325.

NM_004369.4(COL6A3):c.5524G>A (p.Gly1842Arg)

Gene: COL6A3 (collagen type VI alpha 3 chain; minus strand). Cytogenetic location: 2q37.3.
Variant type: single nucleotide variant.
Coding change: c.5524G>A on transcript NM_004369.4 (MANE Select); coding-DNA position 5524, G replaced by A.
Protein change: p.Gly1842Arg; replaces glycine 1842 with arginine.
Molecular consequence: missense variant.
Genome position (GRCh38, 1-based): chr2:237,366,012, C>T on the plus strand (G>A on the coding strand, the complement: COL6A3 is on the minus strand). VCF-style: chr2-237366012-C-T. GRCh37 (hg19) VCF-style: chr2-238274655-C-T.
Other names: c.3703G>A, p.Gly1235Arg (NM_057166.5); c.4906G>A, p.Gly1636Arg (NM_057167.4); short protein forms G1636R, G1235R, G1842R.
Identifiers: ClinVar variation 2734432 (VCV002734432.3), dbSNP rs1395597644, ClinGen allele CA351186336.
Genomic context (GRCh38, chr2:237,366,012, plus strand): 5'-CCTTGGACTCGAAGCCCTTCTGGGCCACAAAAACATTCTGGTCTCTAGAACCATCAAACC[C>T]CAGAATCACATCCAGATTACAAGCTGGAAAGGAGAAATGCAGGTGATGAGTTCTCAGCTG-3'
Protein context (NP_004360.2, residues 1832-1852): AKACNLDVIL[Gly1842Arg]FDGSRDQNVF